The following is an entry in ClinVar:

ClinVar aggregate classification (germline): Pathogenic (1 of 4 stars; one submission).

Conditions:
RYR1-related disorder. Also called: RYR1-related condition; RYR1-related disorders. Identifiers: MedGen CN239331.

Submission:

Labcorp Genetics (formerly Invitae), Labcorp
Classification: Pathogenic for RYR1-related disorder. Last evaluated: 2023-08-28. Review status: criteria provided, single submitter. Criteria: Invitae Variant Classification Sherloc (09022015). Collection method: clinical testing. Allele origin: germline.
Comment: This sequence change creates a premature translational stop signal (p.Ala1372Glyfs*34) in the RYR1 gene. It is expected to result in an absent or disrupted protein product. Loss-of-function variants in RYR1 are known to be pathogenic (PMID: 23919265, 25960145, 28818389, 30611313). This variant is not present in population databases (gnomAD no frequency). This variant has not been reported in the literature in individuals affected with RYR1-related conditions. For these reasons, this variant has been classified as Pathogenic.

Literature cited by the submitters: PubMed 23919265; PubMed 25960145; PubMed 28818389; PubMed 30611313.

NM_000540.3(RYR1):c.4092_4114dup (p.Ala1372fs)

Gene: RYR1 (ryanodine receptor 1; plus strand). Cytogenetic location: 19q13.2.
Variant type: Duplication.
Coding change: c.4092_4114dup on transcript NM_000540.3 (MANE Select); coding-DNA positions 4092 to 4114, 23 bases duplicated (GGGAGAGGCGCAGCCCGCCAGGG).
Protein change: p.Ala1372fs; shifts the reading frame from alanine 1372.
Molecular consequence: frameshift variant.
Genome position (GRCh38, 1-based): chr19:38,473,703-38,473,725, GGGAGAGGCGCAGCCCGCCAGGG duplicated; duplicating any 23 consecutive bases within chr19:38,473,700-38,473,725 gives the same sequence; the c. name uses the placement nearest the transcript's 3' end. VCF-style (leftmost placement, unchanged base first): chr19-38473699-C-CGGGGGGAGAGGCGCAGCCCGCCA. GRCh37 (hg19) VCF-style: chr19-38964339-C-CGGGGGGAGAGGCGCAGCCCGCCA.
Other names: c.4092_4114dup, p.Ala1372fs (NM_001042723.2); short protein forms A1372fs.
Identifiers: ClinVar variation 2755744 (VCV002755744.3), dbSNP rs2514149910, ClinGen allele CA2697556493.